The following is an entry in ClinVar:

ClinVar aggregate classification (germline): Uncertain significance. Review status: criteria provided, multiple submitters, no conflicts (2 of 4 stars). 3 submissions from 3 submitters: Uncertain significance (3). Last evaluated 2024-12-20.

Conditions:
Colorectal cancer. Also called: Malignant Colorectal Neoplasm; Colorectal cancer, somatic. Identifiers: MedGen C0346629, MONDO:0005575, OMIM 114500.
Hereditary cancer-predisposing syndrome. Also called: Neoplastic Syndromes, Hereditary; Hereditary neoplastic syndrome; Tumor predisposition; Hereditary Cancer Syndrome. Identifiers: Orphanet 140162, MedGen C0027672, MeSH D009386, MONDO:0015356.
Oligodontia-cancer predisposition syndrome. Also called: TOOTH AGENESIS-COLORECTAL CANCER SYNDROME. Identifiers: Orphanet 300576, MedGen C1837750, MONDO:0012075, OMIM 608615. Disease mechanism: loss of function.

gnomAD v4.1: 2 of 1,614,214 alleles (0.00012%); highest among the groups gnomAD compares: South Asian, 0.0022%; no homozygotes.

Submissions (3):

Ambry Genetics
Classification: Uncertain significance for Hereditary cancer-predisposing syndrome. Last evaluated: 2024-12-20. Review status: criteria provided, single submitter. Criteria: Ambry Variant Classification Scheme 2023. Collection method: clinical testing. Allele origin: germline.
Comment: The p.V248F variant (also known as c.742G>T), located in coding exon 1 of the AXIN2 gene, results from a G to T substitution at nucleotide position 742. The valine at codon 248 is replaced by phenylalanine, an amino acid with highly similar properties. This amino acid position is conserved. In addition, this alteration is predicted to be tolerated by in silico analysis. Based on the available evidence, the clinical significance of this variant remains unclear.

Labcorp Genetics (formerly Invitae), Labcorp
Classification: Uncertain significance for Oligodontia-cancer predisposition syndrome. Last evaluated: 2024-10-24. Review status: criteria provided, single submitter. Criteria: Invitae Variant Classification Sherloc (09022015). Collection method: clinical testing. Allele origin: germline.
Comment: This sequence change replaces valine, which is neutral and non-polar, with phenylalanine, which is neutral and non-polar, at codon 248 of the AXIN2 protein (p.Val248Phe). This variant is present in population databases (rs758769942, gnomAD 0.006%). This variant has not been reported in the literature in individuals affected with AXIN2-related conditions. Invitae Evidence Modeling of protein sequence and biophysical properties (such as structural, functional, and spatial information, amino acid conservation, physicochemical variation, residue mobility, and thermodynamic stability) indicates that this missense variant is expected to disrupt AXIN2 protein function with a positive predictive value of 80%. In summary, the available evidence is currently insufficient to determine the role of this variant in disease. Therefore, it has been classified as a Variant of Uncertain Significance.

Baylor Genetics
Classification: Uncertain significance for Colorectal cancer. Last evaluated: 2023-05-24. Review status: criteria provided, single submitter. Criteria: ACMG Guidelines, 2015. Collection method: clinical testing. Allele origin: unknown.

NM_004655.4(AXIN2):c.742G>T (p.Val248Phe)

Gene: AXIN2 (axin 2; minus strand). Cytogenetic location: 17q24.1.
Variant type: single nucleotide variant.
Coding change: c.742G>T on transcript NM_004655.4 (MANE Select); coding-DNA position 742, G replaced by T.
Protein change: p.Val248Phe; replaces valine 248 with phenylalanine.
Molecular consequence: missense variant.
Genome position (GRCh38, 1-based): chr17:65,557,879, C>A on the plus strand (G>T on the coding strand, the complement: AXIN2 is on the minus strand). VCF-style: chr17-65557879-C-A. GRCh37 (hg19) VCF-style: chr17-63553997-C-A.
Other names: c.742G>T, p.Val248Phe (NM_001363813.1); short protein forms V248F.
Identifiers: ClinVar variation 2679881 (VCV002679881.4), dbSNP rs758769942, ClinGen allele CA8718995.